The following is an entry in ClinVar:

NC_000023.10:g.(32430031_32456357)_(32663270_32715986)del

Gene: DMD (dystrophin; minus strand). Cytogenetic location: Xp21.1.
Variant type: Deletion.
Identifiers: ClinVar variation 4536120 (VCV004536120.1).

ClinVar aggregate classification (germline): Pathogenic (1 of 4 stars; one submission).

Conditions:
Neuromuscular disease caused by qualitative or quantitative defects of dystrophin. Also called: Qualitative or quantitative defects of dystrophin. Identifiers: Orphanet 207085, MedGen C5679787, MONDO:0016147.

Submission:

Women's Health and Genetics/Laboratory Corporation of America, LabCorp
Classification: Pathogenic for Neuromuscular disease caused by qualitative or quantitative defects of dystrophin. Last evaluated: 2025-09-19. Review status: criteria provided, single submitter. Criteria: LabCorp Variant Classification Summary - May 2015. Collection method: clinical testing. Allele origin: germline.
Comment: Variant summary: The variant involves the deletion of exons 10-29 in the DMD gene. A presumed nomenclature of c.(960+1_961-1)_(4071+1_4072-1)del has been designated for the purposes of this classification. This Copy Number Variant (CNV) is predicted to result in an in-frame deletion within this gene. Loss-of-function variants in this gene are known to be pathogenic. The variant was absent in 16120 control chromosomes. c.(960+1_961-1)_(4071+1_4072-1)del has been observed in multiple individuals affected with Dystrophinopathies (e.g. Carsana_2010, Nicolas_2012, Fujino_2018, Gorgoglione_2025). These data indicate that the variant is very likely to be associated with disease. To our knowledge, no experimental evidence demonstrating an impact on protein function has been reported. The following publications have been ascertained in the context of this evaluation (PMID: 22776072, 34679607, 29594829, 20036901, 39499670). ClinVar contains an entry for this variant (Variation ID: 3243604). Based on the evidence outlined above, the variant was classified as pathogenic.

Literature cited by the submitters: PubMed 22776072; PubMed 20036901; PubMed 34679607; PubMed 39499670; PubMed 29594829.